The following is an entry in ClinVar:

NM_015375.3(DSTYK):c.2612C>G (p.Pro871Arg)

Gene: DSTYK (dual serine/threonine and tyrosine protein kinase; minus strand). Cytogenetic location: 1q32.1.
Variant type: single nucleotide variant.
Coding change: c.2612C>G on transcript NM_015375.3 (MANE Select); coding-DNA position 2612, C replaced by G.
Protein change: p.Pro871Arg; replaces proline 871 with arginine.
Molecular consequence: missense variant.
Genome position (GRCh38, 1-based): chr1:205,147,736, G>C on the plus strand (C>G on the coding strand, the complement: DSTYK is on the minus strand). VCF-style: chr1-205147736-G-C. GRCh37 (hg19) VCF-style: chr1-205116864-G-C.
Other names: c.2477C>G, p.Pro826Arg (NM_199462.3); short protein forms P826R, P871R.
Identifiers: ClinVar variation 4733288 (VCV004733288.1).
Genomic context (GRCh38, chr1:205,147,736, plus strand): 5'-CCATCCCAACAGGCTTCCATCAACTGCCAGCACTCCTCATCAAACACAGGAAGACGTTCT[G>C]GGCGAGCCCCTAGAGAAAGGAGCATGGAAACAAGATCACAGTGAGAGGGACCCAGCACAA-3'
Protein context (NP_056190.1, residues 861-881): LWNNVRRGAR[Pro871Arg]ERLPVFDEEC

ClinVar aggregate classification (germline): Uncertain significance (1 of 4 stars; one submission).

Submission:

Labcorp Genetics (formerly Invitae), Labcorp
Classification: Uncertain significance. Last evaluated: 2025-12-15. Review status: criteria provided, single submitter. Criteria: Invitae Variant Classification Sherloc (09022015). Collection method: clinical testing. Allele origin: germline.
Comment: This sequence change replaces proline, which is neutral and non-polar, with arginine, which is basic and polar, at codon 871 of the DSTYK protein (p.Pro871Arg). This variant is not present in population databases (gnomAD no frequency). This variant has not been reported in the literature in individuals affected with DSTYK-related conditions. An algorithm developed to predict the effect of missense changes on protein structure and function (PolyPhen-2) suggests that this variant is likely to be disruptive. In summary, the available evidence is currently insufficient to determine the role of this variant in disease. Therefore, it has been classified as a Variant of Uncertain Significance.